The following is an entry in ClinVar:

NM_001378778.1(MPDZ):c.1841A>T (p.Asp614Val)

Gene: MPDZ (multiple PDZ domain crumbs cell polarity complex component; minus strand). Cytogenetic location: 9p23.
Variant type: single nucleotide variant.
Coding change: c.1841A>T on transcript NM_001378778.1 (MANE Select); coding-DNA position 1841, A replaced by T.
Protein change: p.Asp614Val; replaces aspartic acid 614 with valine.
Molecular consequence: missense variant.
Genome position (GRCh38, 1-based): chr9:13,192,258, T>A on the plus strand (A>T on the coding strand, the complement: MPDZ is on the minus strand). VCF-style: chr9-13192258-T-A. GRCh37 (hg19) VCF-style: chr9-13192257-T-A.
Other names: c.1841A>T, p.Asp614Val (NM_001261406.2, NM_001261407.2, NM_001330637.2 and 14 more transcripts); short protein forms D614V.
Identifiers: ClinVar variation 1942554 (VCV001942554.5), dbSNP rs1326082482, ClinGen allele CA372939523.

ClinVar aggregate classification (germline): Uncertain significance (1 of 4 stars; one submission).

Submission:

Labcorp Genetics (formerly Invitae), Labcorp
Classification: Uncertain significance. Last evaluated: 2022-03-20. Review status: criteria provided, single submitter. Criteria: Invitae Variant Classification Sherloc (09022015). Collection method: clinical testing. Allele origin: germline.
Comment: This sequence change replaces aspartic acid, which is acidic and polar, with valine, which is neutral and non-polar, at codon 614 of the MPDZ protein (p.Asp614Val). This variant is not present in population databases (gnomAD no frequency). This variant has not been reported in the literature in individuals affected with MPDZ-related conditions. Algorithms developed to predict the effect of missense changes on protein structure and function (SIFT, PolyPhen-2, Align-GVGD) all suggest that this variant is likely to be disruptive. In summary, the available evidence is currently insufficient to determine the role of this variant in disease. Therefore, it has been classified as a Variant of Uncertain Significance.